The following is an entry in ClinVar:

ClinVar aggregate classification (germline): Uncertain significance (1 of 4 stars; one submission).

Conditions:
Familial hemophagocytic lymphohistiocytosis 3 (FHL3). Also called: UNC13D-Related Familial Hemophagocytic Lymphohistiocytosis (UNC13D-fHLH). Identifiers: Orphanet 540, MedGen C1837174, MONDO:0012146, OMIM 608898.

Allele frequency attached by ClinVar (database versions not stated): gnomAD 0.00001; gnomAD exomes 0.00001; TOPMed 0.00002.
gnomAD v4.1: 14 of 1,613,874 alleles (0.00087%); highest among the groups gnomAD compares: African/African-American, 0.0027%; no homozygotes.

Submission:

Labcorp Genetics (formerly Invitae), Labcorp
Classification: Uncertain significance for Familial hemophagocytic lymphohistiocytosis 3. Last evaluated: 2025-12-29. Review status: criteria provided, single submitter. Criteria: Invitae Variant Classification Sherloc (09022015). Collection method: clinical testing. Allele origin: germline.
Comment: This sequence change replaces arginine, which is basic and polar, with tryptophan, which is neutral and slightly polar, at codon 234 of the UNC13D protein (p.Arg234Trp). This variant is present in population databases (no rsID available, gnomAD 0.006%). This variant has not been reported in the literature in individuals affected with UNC13D-related conditions. ClinVar contains an entry for this variant (Variation ID: 1498132). Invitae Evidence Modeling of protein sequence and biophysical properties (such as structural, functional, and spatial information, amino acid conservation, physicochemical variation, residue mobility, and thermodynamic stability) has been performed for this missense variant. However, the output from this modeling did not meet the statistical confidence thresholds required to predict the impact of this variant on UNC13D protein function. In summary, the available evidence is currently insufficient to determine the role of this variant in disease. Therefore, it has been classified as a Variant of Uncertain Significance.

NM_199242.3(UNC13D):c.700C>T (p.Arg234Trp)

Gene: UNC13D (unc-13 homolog D; minus strand). Cytogenetic location: 17q25.1.
Variant type: single nucleotide variant.
Coding change: c.700C>T on transcript NM_199242.3 (MANE Select); coding-DNA position 700, C replaced by T.
Protein change: p.Arg234Trp; replaces arginine 234 with tryptophan.
Molecular consequence: missense variant.
Genome position (GRCh38, 1-based): chr17:75,840,560, G>A on the plus strand (C>T on the coding strand, the complement: UNC13D is on the minus strand). VCF-style: chr17-75840560-G-A. GRCh37 (hg19) VCF-style: chr17-73836641-G-A.
Other names: short protein forms R234W.
Identifiers: ClinVar variation 1498132 (VCV001498132.4), dbSNP rs1194073667, ClinGen allele CA401110752.
Genomic context (GRCh38, chr17:75,840,560, plus strand): 5'-TCCTCACCTGCAGCCTCAGAACCACGTTCCCCAGAAAGTCGTCCTGGCCTTTGTCCTTCC[G>A]GGCCTCTTTAAAGATCCTGCGTCAGGCAGGGTCCCATAAGGGGGACGCAGCAAGGGTCGG-3'
Protein context (NP_954712.1, residues 224-244): HGLRRIFKEA[Arg234Trp]KDKGQDDFLG